The following is an entry in ClinVar:

ClinVar aggregate classification (germline): Benign (3 of 4 stars; one submission).

Conditions:
Breast-ovarian cancer, familial, susceptibility to, 1 (BROVCA1). Also called: BRCA1 Hereditary Breast and Ovarian Cancer; OVARIAN CANCER, SUSCEPTIBILITY TO. Identifiers: Orphanet 145, MedGen C2676676, MONDO:0011450, OMIM 604370. Disease mechanism: loss of function.

Allele frequency attached by ClinVar (database versions not stated): TOPMed 0.28340; 1000 Genomes Project 30x 0.32948; 1000 Genomes Project 0.33526.
gnomAD v4.1: 45,558 of 150,796 alleles (30%); highest among the groups gnomAD compares: South Asian, 50%; 7,407 homozygotes.

Submission:

Evidence-based Network for the Interpretation of Germline Mutant Alleles (ENIGMA)
Classification: Benign for Breast-ovarian cancer, familial 1. Last evaluated: 2015-01-12. Review status: reviewed by expert panel. Criteria: ENIGMA BRCA1/2 Classification Criteria (2015). Collection method: curation. Allele origin: germline.
Comment: Class 1 not pathogenic based on frequency >1% in an outbred sampleset. Frequency 0.3304 (Asian), 0.128 (African), 0.3575 (European), derived from 1000 genomes (2012-04-30).

NM_007294.4(BRCA1):c.80+2655C>G

Gene: BRCA1 (BRCA1 DNA repair associated; minus strand). Cytogenetic location: 17q21.31.
Variant type: single nucleotide variant.
Coding change: c.80+2655C>G on transcript NM_007294.4 (MANE Select); 2655 bases into the intron after coding-DNA position 80, C replaced by G.
Molecular consequence: intron variant.
Genome position (GRCh38, 1-based): chr17:43,121,362, G>C on the plus strand (C>G on the coding strand, the complement: BRCA1 is on the minus strand). VCF-style: chr17-43121362-G-C. GRCh37 (hg19) VCF-style: chr17-41273379-G-C.
Other names: IVS 2+2655C>G; c.-62+3915C>G (NM_001408469.1, NM_001408453.1, NM_001407737.1 and 6 more transcripts); c.-178+3915C>G (NM_001407746.1); c.-8+2655C>G (NM_001408461.1, NM_001407738.1, NM_001407932.1 and 23 more transcripts); c.-109+2655C>G (NM_001407886.1, NM_001408509.1, NM_001408508.1 and 46 more transcripts); c.80+2655C>G (NM_001407686.1, NM_001408397.1, NM_001407632.1 and 192 more transcripts); c.-55+2655C>G (NM_001407898.1, NM_001407881.1, NM_001407902.1); c.-225+2655C>G (NM_001408492.1, NM_001407889.1); and 23 more.
Identifiers: ClinVar variation 209562 (VCV000209562.2), dbSNP rs34942571, ClinGen allele CA276531.